The following is an entry in ClinVar:

NM_001278512.2(AP3B2):c.2742C>A (p.Phe914Leu)

Genes: AP3B2 (adaptor related protein complex 3 subunit beta 2; minus strand), CPEB1-AS1 (CPEB1 antisense RNA 1; plus strand). Cytogenetic location: 15q25.2.
Variant type: single nucleotide variant.
Coding change: c.2742C>A on transcript NM_001278512.2 (MANE Select); coding-DNA position 2742, C replaced by A.
Protein change: p.Phe914Leu; replaces phenylalanine 914 with leucine.
Molecular consequence: missense variant.
Genome position (GRCh38, 1-based): chr15:82,662,785, G>T on the plus strand (C>A on the coding strand, the complement: AP3B2 is on the minus strand). VCF-style: chr15-82662785-G-T. GRCh37 (hg19) VCF-style: chr15-83331537-G-T.
Other names: c.2685C>A (NM_004644.3); c.2589C>A, p.Phe863Leu (NM_001278511.2); c.2685C>A, p.Phe895Leu (NM_004644.5); short protein forms F863L, F914L, F895L.
Identifiers: ClinVar variation 1378548 (VCV001378548.7), dbSNP rs1227277094, ClinGen allele CA393308453.
Genomic context (GRCh38, chr15:82,662,785, plus strand): 5'-AGCAGGCAGTTTGGGAGTGCCCACATGCAGGCCCTTGATGGGGGTATCAGAGCTGTTGGA[G>T]AAGTGGATGTGCACGGACACCATGTGGGGATCCCCGGAGAAAGGTTGGCGGCTGAAGGTG-3'
Protein context (NP_001265441.1, residues 904-924): DPHMVSVHIH[Phe914Leu]SNSSDTPIKG

ClinVar aggregate classification (germline): Uncertain significance. Review status: criteria provided, multiple submitters, no conflicts (2 of 4 stars). 2 submissions from 2 submitters: Uncertain significance (2). Last evaluated 2025-02-12.

Conditions:
Inborn genetic diseases. Identifiers: MedGen C0950123, MeSH D030342.

Allele frequency attached by ClinVar (database versions not stated): gnomAD exomes below 0.00001; TOPMed below 0.00001; gnomAD 0.00001.
gnomAD v4.1: 4 of 1,613,784 alleles (0.00025%); highest among the groups gnomAD compares: Non-Finnish European, 0.00034%; no homozygotes.

Submissions (2):

Ambry Genetics
Classification: Uncertain significance for Inborn genetic diseases. Last evaluated: 2025-02-12. Review status: criteria provided, single submitter. Criteria: Ambry Variant Classification Scheme 2023. Collection method: clinical testing. Allele origin: germline.

Labcorp Genetics (formerly Invitae), Labcorp
Classification: Uncertain significance. Last evaluated: 2021-08-29. Review status: criteria provided, single submitter. Criteria: Invitae Variant Classification Sherloc (09022015). Collection method: clinical testing. Allele origin: germline.
Comment: In summary, the available evidence is currently insufficient to determine the role of this variant in disease. Therefore, it has been classified as a Variant of Uncertain Significance. Algorithms developed to predict the effect of missense changes on protein structure and function (SIFT, PolyPhen-2, Align-GVGD) all suggest that this variant is likely to be tolerated. This variant has not been reported in the literature in individuals affected with AP3B2-related conditions. This variant is not present in population databases (ExAC no frequency). This sequence change replaces phenylalanine with leucine at codon 895 of the AP3B2 protein (p.Phe895Leu). The phenylalanine residue is moderately conserved and there is a small physicochemical difference between phenylalanine and leucine.